The following is an entry in ClinVar:

NM_000095.3(COMP):c.1270G>T (p.Asp424Tyr)

Gene: COMP (cartilage oligomeric matrix protein; minus strand). Cytogenetic location: 19p13.11.
Variant type: single nucleotide variant.
Coding change: c.1270G>T on transcript NM_000095.3 (MANE Select); coding-DNA position 1270, G replaced by T.
Protein change: p.Asp424Tyr; replaces aspartic acid 424 with tyrosine.
Molecular consequence: missense variant.
Genome position (GRCh38, 1-based): chr19:18,786,276, C>A on the plus strand (G>T on the coding strand, the complement: COMP is on the minus strand). VCF-style: chr19-18786276-C-A. GRCh37 (hg19) VCF-style: chr19-18897086-C-A.
Other names: short protein forms D424Y.
Identifiers: ClinVar variation 4078406 (VCV004078406.2).
Genomic context (GRCh38, chr19:18,786,276, plus strand): 5'-CCCACCCCAGGTGGCCTCCTTACTGGTCTTGATCGCTGTCACAAGCATCTCCCACAAAGT[C>A]GTGGTCCACATCCGCCTGCGGAGGGCAGCATGCGGGGGTCCATAATCAGACAGAGGAAAT-3'
Protein context (NP_000086.2, residues 414-434): SNPDQADVDH[Asp424Tyr]FVGDACDSDQ

ClinVar aggregate classification (germline): Conflicting classifications of pathogenicity. Review status: criteria provided, conflicting classifications (1 of 4 stars). 2 submissions from 2 submitters: Pathogenic (1); Uncertain significance (1). Last evaluated 2025-08-19.

Submissions (2):

Labcorp Genetics (formerly Invitae), Labcorp
Classification: Pathogenic. Last evaluated: 2025-08-19. Review status: criteria provided, single submitter. Criteria: Invitae Variant Classification Sherloc (09022015). Collection method: clinical testing. Allele origin: germline.
Comment: This sequence change replaces aspartic acid, which is acidic and polar, with tyrosine, which is neutral and polar, at codon 424 of the COMP protein (p.Asp424Tyr). This variant is not present in population databases (gnomAD no frequency). This missense change has been observed in individual(s) with COMP-related conditions (internal data). In at least one individual the variant was observed to be de novo. Invitae Evidence Modeling of protein sequence and biophysical properties (such as structural, functional, and spatial information, amino acid conservation, physicochemical variation, residue mobility, and thermodynamic stability) indicates that this missense variant is expected to disrupt COMP protein function with a positive predictive value of 80%. For these reasons, this variant has been classified as Pathogenic.

Revvity Omics, Revvity
Classification: Uncertain significance. Last evaluated: 2025-02-25. Review status: criteria provided, single submitter. Criteria: ACMG Guidelines, 2015. Collection method: clinical testing. Allele origin: germline.